The following is an entry in ClinVar:

ClinVar aggregate classification (germline): Uncertain significance. Review status: criteria provided, multiple submitters, no conflicts (2 of 4 stars). 2 submissions from 2 submitters: Uncertain significance (2). Last evaluated 2025-12-08.

Conditions:
AFF4-related disorder. Also called: AFF4-related condition.
Inborn genetic diseases. Identifiers: MedGen C0950123, MeSH D030342.

gnomAD v4.1: 1 of 1,614,044 alleles (0.000062%); highest among the groups gnomAD compares: African/African-American, 0.0013%; no homozygotes.

Submissions (2):

Ambry Genetics
Classification: Uncertain significance for Inborn genetic diseases. Last evaluated: 2025-12-08. Review status: criteria provided, single submitter. Criteria: Ambry Variant Classification Scheme 2023. Collection method: clinical testing. Allele origin: germline.

PreventionGenetics, part of Exact Sciences
Classification: Uncertain significance for AFF4-related condition. Last evaluated: 2024-10-25. Review status: criteria provided, single submitter. Criteria: ACMG Guidelines, 2015. Collection method: clinical testing. Allele origin: germline.
Comment: The AFF4 c.2380C>T variant is predicted to result in the amino acid substitution p.Pro794Ser. To our knowledge, this variant has not been reported in the literature. This variant is reported in 0.0062% of alleles in individuals of African descent in gnomAD. At this time, the clinical significance of this variant is uncertain due to the absence of conclusive functional and genetic evidence.

NM_014423.4(AFF4):c.2380C>T (p.Pro794Ser)

Gene: AFF4 (ALF transcription elongation factor 4; minus strand). Cytogenetic location: 5q31.1.
Variant type: single nucleotide variant.
Coding change: c.2380C>T on transcript NM_014423.4 (MANE Select); coding-DNA position 2380, C replaced by T.
Protein change: p.Pro794Ser; replaces proline 794 with serine.
Molecular consequence: missense variant.
Genome position (GRCh38, 1-based): chr5:132,893,046, G>A on the plus strand (C>T on the coding strand, the complement: AFF4 is on the minus strand). VCF-style: chr5-132893046-G-A. GRCh37 (hg19) VCF-style: chr5-132228738-G-A.
Other names: short protein forms P794S.
Identifiers: ClinVar variation 4571628 (VCV004571628.2).